The following is an entry in ClinVar:

ClinVar aggregate classification (germline): Uncertain significance. Review status: criteria provided, multiple submitters, no conflicts (2 of 4 stars). 2 submissions from 2 submitters: Uncertain significance (2). Last evaluated 2024-10-09.

Conditions:
Inborn genetic diseases. Identifiers: MedGen C0950123, MeSH D030342.
Chédiak-Higashi syndrome (CHS). Also called: Chediak-Higashi Syndrome. Identifiers: Orphanet 167, MedGen C0007965, MONDO:0008963, OMIM 214500.

Allele frequency attached by ClinVar (database versions not stated): gnomAD exomes below 0.00001; TOPMed 0.00001; gnomAD 0.00003.
gnomAD v4.1: 5 of 1,613,890 alleles (0.00031%); highest among the groups gnomAD compares: African/African-American, 0.0053%; no homozygotes.

Submissions (2):

Ambry Genetics
Classification: Uncertain significance for Inborn genetic diseases. Last evaluated: 2024-10-09. Review status: criteria provided, single submitter. Criteria: Ambry Variant Classification Scheme 2023. Collection method: clinical testing. Allele origin: germline.

Center for Genomics, Ann and Robert H. Lurie Children's Hospital of Chicago
Classification: Uncertain significance for Chédiak-Higashi syndrome. Last evaluated: 2021-12-20. Review status: criteria provided, single submitter. Criteria: ACMG Guidelines, 2015. Collection method: clinical testing. Allele origin: germline.
Comment: LYST NM_000081.3 exon 6 p.Ser923Leu (c.2768C>T): This variant has not been reported in the literature but is present in 0.0008% (1/128478) of European alleles in the Genome Aggregation Database. Evolutionary conservation and computational predictive tools for this variant are unclear. In summary, data on this variant is insufficient for disease classification. Therefore, the clinical significance of this variant is uncertain.

NM_000081.4(LYST):c.2768C>T (p.Ser923Leu)

Gene: LYST (lysosomal trafficking regulator; minus strand). Cytogenetic location: 1q42.3.
Variant type: single nucleotide variant.
Coding change: c.2768C>T on transcript NM_000081.4 (MANE Select); coding-DNA position 2768, C replaced by T.
Protein change: p.Ser923Leu; replaces serine 923 with leucine.
Molecular consequence: missense variant.
Genome position (GRCh38, 1-based): chr1:235,806,368, G>A on the plus strand (C>T on the coding strand, the complement: LYST is on the minus strand). VCF-style: chr1-235806368-G-A. GRCh37 (hg19) VCF-style: chr1-235969668-G-A.
Other names: c.2768C>T, p.Ser923Leu (NM_001301365.1); c.2768C>T (NM_000081.2); short protein forms S923L.
Identifiers: ClinVar variation 1675098 (VCV001675098.2), dbSNP rs867627106, ClinGen allele CA39616285.